The following is an entry in ClinVar:

NM_177438.3(DICER1):c.5717G>C (p.Arg1906Thr)

Gene: DICER1 (dicer 1, ribonuclease III; minus strand). Cytogenetic location: 14q32.13.
Variant type: single nucleotide variant.
Coding change: c.5717G>C on transcript NM_177438.3 (MANE Select); coding-DNA position 5717, G replaced by C.
Protein change: p.Arg1906Thr; replaces arginine 1906 with threonine.
Molecular consequence: missense variant. On other transcripts: 3 prime UTR variant (1).
Genome position (GRCh38, 1-based): chr14:95,090,550, C>G on the plus strand (G>C on the coding strand, the complement: DICER1 is on the minus strand). VCF-style: chr14-95090550-C-G. GRCh37 (hg19) VCF-style: chr14-95556887-C-G.
Other names: c.*64G>C (NM_001195573.1); c.5717G>C, p.Arg1906Thr (NM_001271282.3, NM_001291628.2, NM_030621.4); short protein forms R1906T.
Identifiers: ClinVar variation 1057348 (VCV001057348.10), dbSNP rs2139765912, ClinGen allele CA390863090.

ClinVar aggregate classification (germline): Uncertain significance (1 of 4 stars; one submission).

Conditions:
DICER1-related tumor predisposition. Also called: DICER1 syndrome; DICER1-related pleuropulmonary blastoma cancer predisposition syndrome. Identifiers: Orphanet 284343, MedGen C3839822, MONDO:0100216.

Submission:

Labcorp Genetics (formerly Invitae), Labcorp
Classification: Uncertain significance for DICER1-related tumor predisposition. Last evaluated: 2023-09-23. Review status: criteria provided, single submitter. Criteria: Invitae Variant Classification Sherloc (09022015). Collection method: clinical testing. Allele origin: germline.
Comment: This sequence change replaces arginine, which is basic and polar, with threonine, which is neutral and polar, at codon 1906 of the DICER1 protein (p.Arg1906Thr). This variant is not present in population databases (gnomAD no frequency). This variant has not been reported in the literature in individuals affected with DICER1-related conditions. ClinVar contains an entry for this variant (Variation ID: 1057348). An algorithm developed to predict the effect of missense changes on protein structure and function (PolyPhen-2) suggests that this variant is likely to be disruptive. In summary, the available evidence is currently insufficient to determine the role of this variant in disease. Therefore, it has been classified as a Variant of Uncertain Significance.